The following is an entry in ClinVar:

NM_001204.7(BMPR2):c.803C>T (p.Thr268Ile)

Gene: BMPR2 (bone morphogenetic protein receptor type 2; plus strand). Cytogenetic location: 2q33.2.
Variant type: single nucleotide variant.
Coding change: c.803C>T on transcript NM_001204.7 (MANE Select); coding-DNA position 803, C replaced by T.
Protein change: p.Thr268Ile; replaces threonine 268 with isoleucine.
Molecular consequence: missense variant.
Genome position (GRCh38, 1-based): chr2:202,519,003, C>T. VCF-style: chr2-202519003-C-T. GRCh37 (hg19) VCF-style: chr2-203383726-C-T.
Other names: short protein forms T268I.
Identifiers: ClinVar variation 4597977 (VCV004597977.1).

ClinVar aggregate classification (germline): Uncertain significance (1 of 4 stars; one submission).

Conditions:
Inborn genetic diseases. Identifiers: MedGen C0950123, MeSH D030342.

Submission:

Ambry Genetics
Classification: Uncertain significance for Inborn genetic diseases. Last evaluated: 2025-11-28. Review status: criteria provided, single submitter. Criteria: Ambry Variant Classification Scheme 2023. Collection method: clinical testing. Allele origin: germline.
Comment: The p.T268I variant (also known as c.803C>T), located in coding exon 6 of the BMPR2 gene, results from a C to T substitution at nucleotide position 803. The threonine at codon 268 is replaced by isoleucine, an amino acid with similar properties. This amino acid position is conserved. In addition, the in silico prediction for this alteration is inconclusive. Based on the available evidence, the clinical significance of this variant remains unclear.